The following is an entry in ClinVar:

NM_001127222.2(CACNA1A):c.3946G>A (p.Asp1316Asn)

Genes: CACNA1A (calcium voltage-gated channel subunit alpha1 A; minus strand), LOC126862865 (CDK7 strongly-dependent group 2 enhancer GRCh37_chr19:13385818-13387017; plus strand). Cytogenetic location: 19p13.13.
Variant type: single nucleotide variant.
Coding change: c.3946G>A on transcript NM_001127222.2 (MANE Select); coding-DNA position 3946, G replaced by A.
Protein change: p.Asp1316Asn; replaces aspartic acid 1316 with asparagine.
Molecular consequence: missense variant.
Genome position (GRCh38, 1-based): chr19:13,275,893, C>T on the plus strand (G>A on the coding strand, the complement: CACNA1A is on the minus strand). VCF-style: chr19-13275893-C-T. GRCh37 (hg19) VCF-style: chr19-13386707-C-T.
Other names: c.3946G>A (NM_001127222.1); c.3958G>A, p.Asp1320Asn (NM_000068.4, NM_023035.3); c.3949G>A, p.Asp1317Asn (NM_001127221.2, NM_001174080.2); short protein forms D1317N, D1320N, D1316N.
Identifiers: ClinVar variation 585569 (VCV000585569.16), dbSNP rs1568485068, ClinGen allele CA404340223.
Genomic context (GRCh38, chr19:13,275,893, plus strand): 5'-CTTGCGAGGAGACTTACGTGAAGGCAAAGGCTACCAGGGCCCCACTGACCACTATGAAGT[C>T]GAGAATATTCCAGAGGTCACGGAAGTAGGCACCCTGATGCAGGACGAGCCCCAGGTCAAT-3'
Protein context (NP_001120694.1, residues 1306-1326): AYFRDLWNIL[Asp1316Asn]FIVVSGALVA

ClinVar aggregate classification (germline): Conflicting classifications of pathogenicity. Review status: criteria provided, conflicting classifications (1 of 4 stars). 4 submissions from 4 submitters: Pathogenic (1); Likely pathogenic (1); Uncertain significance (1). 1 of the submissions does not count toward it. Last evaluated 2026-01-19.

Conditions:
Episodic ataxia type 2 (EA2). Also called: ACETAZOLAMIDE-RESPONSIVE HEREDITARY PAROXYSMAL CEREBELLAR ATAXIA; CEREBELLAR ATAXIA, PAROXYSMAL, ACETAZOLAMIDE-RESPONSIVE; CEREBELLOPATHY, HEREDITARY PAROXYSMAL; EPISODIC ATAXIA, NYSTAGMUS-ASSOCIATED; ATAXIA, EPISODIC, WITH NYSTAGMUS; ATAXIA, FAMILIAL PAROXYSMAL. Identifiers: Orphanet 97, MedGen C1720416, MONDO:0007163, OMIM 108500.
Developmental and epileptic encephalopathy, 42 (DEE42A). Also called: DEVELOPMENTAL AND EPILEPTIC ENCEPHALOPATHY 42A; EPILEPTIC ENCEPHALOPATHY, EARLY INFANTILE, 42A; Epileptic encephalopathy, early infantile, 42. Identifiers: MedGen C4310716, MONDO:0014917, OMIM 617106.
CACNA1A-related disorder. Also called: CACNA1A-related condition.

Submissions (4):

Labcorp Genetics (formerly Invitae), Labcorp
Classification: Pathogenic for Developmental and epileptic encephalopathy, 42; Episodic ataxia type 2. Last evaluated: 2026-01-19. Review status: criteria provided, single submitter. Criteria: Invitae Variant Classification Sherloc (09022015). Collection method: clinical testing. Allele origin: germline.
Comment: This sequence change replaces aspartic acid, which is acidic and polar, with asparagine, which is neutral and polar, at codon 1317 of the CACNA1A protein (p.Asp1317Asn). This variant is not present in population databases (gnomAD no frequency). This missense change has been observed in individual(s) with clinical features of developmental and epileptic encephalopathy (PMID: 36035117; internal data). In at least one individual the variant was observed to be de novo. This variant is also known as c.3958G>A (p.Asp1320Asn). ClinVar contains an entry for this variant (Variation ID: 585569). Invitae Evidence Modeling of protein sequence and biophysical properties (such as structural, functional, and spatial information, amino acid conservation, physicochemical variation, residue mobility, and thermodynamic stability) indicates that this missense variant is expected to disrupt CACNA1A protein function with a positive predictive value of 95%. For these reasons, this variant has been classified as Pathogenic.

GeneDx
Classification: Likely pathogenic. Last evaluated: 2025-12-17. Review status: criteria provided, single submitter. Criteria: GeneDx Variant Classification Process June 2021. Collection method: clinical testing. Allele origin: germline. Affected: yes.
Comment: Not observed at significant frequency in large population cohorts (gnomAD); In silico analysis supports that this missense variant has a deleterious effect on protein structure/function; Also known as c.3958G>A p.Asp1320Asn using alternate nomenclature; This variant is associated with the following publications: (PMID: 36035117)

Athena Diagnostics
Classification: Uncertain significance. Last evaluated: 2017-12-27. Review status: criteria provided, single submitter. Criteria: Athena Diagnostics Criteria. Collection method: clinical testing. Allele origin: germline.

PreventionGenetics, part of Exact Sciences
Classification: Uncertain significance for CACNA1A-related condition. Last evaluated: 2024-09-20. Review status: no assertion criteria provided. Collection method: clinical testing. Allele origin: germline. Not counted in ClinVar's aggregate classification.
Comment: The CACNA1A c.3946G>A variant is predicted to result in the amino acid substitution p.Asp1316Asn. This variant has been reported as a de novo finding in one patient in the literature with intellectual disability and epilepsy (reported as NM_000068.4:c.3958G>A:p.Asp1320Asn; Mellone et al. 2022. PubMed ID: 36035117, see supp tables 2-3). This variant has not been reported in the literature or in a large population database, indicating this variant is rare. Although we suspect that this variant may be pathogenic, at this time, the clinical significance of this variant is uncertain due to the absence of conclusive functional and genetic evidence.

Literature cited by the submitters: PubMed 36035117 (cited by Labcorp Genetics (formerly Invitae), Labcorp).